The following is an entry in ClinVar:

NM_004985.5(KRAS):c.-160A>G

Genes: KRAS (KRas proto-oncogene, GTPase; minus strand), LOC130007561 (ATAC-STARR-seq lymphoblastoid silent region 4294; plus strand). Cytogenetic location: 12p12.1.
Variant type: single nucleotide variant.
Coding change: c.-160A>G on transcript NM_004985.5 (MANE Select); 160 bases upstream of the start codon, A replaced by G.
Molecular consequence: 5 prime UTR variant.
Genome position (GRCh38, 1-based): chr12:25,250,899, T>C on the plus strand (A>G on the coding strand, the complement: KRAS is on the minus strand). VCF-style: chr12-25250899-T-C. GRCh37 (hg19) VCF-style: chr12-25403833-T-C.
Other names: c.-147A>G (NM_001369786.1, NM_001369787.1); c.-160A>G (NM_033360.4, NM_004985.4).
Identifiers: ClinVar variation 163771 (VCV000163771.34), dbSNP rs727503111, ClinGen allele CA176498.

ClinVar aggregate classification (germline): Benign. Review status: reviewed by expert panel (3 of 4 stars). 4 submissions from 4 submitters: Benign (1). 3 of the submissions do not count toward it. Last evaluated 2019-11-04.

Conditions:
KRAS-related disorder. Also called: KRAS-related condition; KRAS-related disorders.
RASopathy. Also called: rasopathies; Noonan spectrum disorder. Identifiers: Orphanet 536391, MedGen C5555857, MONDO:0021060.

Allele frequency attached by ClinVar (database versions not stated): gnomAD exomes 0.00025; 1000 Genomes Project 30x 0.00047; gnomAD 0.00115 and 0.00124; TOPMed 0.00123.
gnomAD v4.1: 197 of 247,164 alleles (0.08%); highest among the groups gnomAD compares: African/African-American, 0.33%; no homozygotes.

Submissions (4):

ClinGen RASopathy Variant Curation Expert Panel
Classification: Benign for RASopathy. Last evaluated: 2019-11-04. Review status: reviewed by expert panel. Criteria: ClinGen RASopathy ACMG Specifications v1. Collection method: curation. Allele origin: germline. Inheritance: Autosomal dominant inheritance.
Comment: The c.-160A>G variant in KRAS is classified as benign because it has been identified in 0.22088% (95% CI of 27/8628) of African alleles in gnomAD (BA1). This variant is not located within the splice consensus sequence and computational splice site prediction tools do not predict an impact on splicing (BP4, BP7). ACMG/AMP Criteria applied: BA1, BP4, BP7.

CeGaT Center for Human Genetics Tuebingen
Classification: Likely benign. Last evaluated: 2022-11-01. Review status: criteria provided, single submitter. Criteria: CeGaT Center For Human Genetics Tuebingen Variant Classification Criteria Version 2. Collection method: clinical testing. Allele origin: germline. Affected: yes. Observed: 2 variant alleles. Not counted in ClinVar's aggregate classification.
Comment: KRAS: BS1

Laboratory for Molecular Medicine, Mass General Brigham Personalized Medicine
Classification: Likely benign. Last evaluated: 2010-09-27. Review status: criteria provided, single submitter. Criteria: LMM Criteria. Collection method: clinical testing. Allele origin: germline. Observed: 1 variant allele. Not counted in ClinVar's aggregate classification.
Comment: The -160A>G variant in KRAS has not been previously reported in the literature n or been identified by our laboratory. This variant occurs in the 5' UTR of the g ene. Although mutations in 5' UTRs of genes have been shown to affect gene regul ation, no pathogenic mutations in the 5' UTR of KRAS have been reported to date. Therefore, this variant is likely benign, although we cannot rule out that it could contribute to the clinical features observed in this individual.

PreventionGenetics, part of Exact Sciences
Classification: Likely benign for KRAS-related condition. Last evaluated: 2023-03-14. Review status: no assertion criteria provided. Collection method: clinical testing. Allele origin: germline. Not counted in ClinVar's aggregate classification.
Comment: This variant is classified as likely benign based on ACMG/AMP sequence variant interpretation guidelines (Richards et al. 2015 PMID: 25741868, with internal and published modifications).